The following is an entry in ClinVar:

ClinVar aggregate classification (germline): Uncertain significance. Review status: criteria provided, multiple submitters, no conflicts (2 of 4 stars). 2 submissions from 2 submitters: Uncertain significance (2). Last evaluated 2025-11-11.

Conditions:
Hereditary cancer-predisposing syndrome. Also called: Neoplastic Syndromes, Hereditary; Tumor predisposition; Hereditary Cancer Syndrome; Hereditary neoplastic syndrome. Identifiers: Orphanet 140162, MedGen C0027672, MeSH D009386, MONDO:0015356.

Allele frequency attached by ClinVar (database versions not stated): gnomAD 0.00001; gnomAD exomes 0.00002 and 0.00003; TOPMed 0.00002; ExAC 0.00003.

Submissions (2):

Labcorp Genetics (formerly Invitae), Labcorp
Classification: Uncertain significance for Hereditary cancer-predisposing syndrome. Last evaluated: 2025-11-11. Review status: criteria provided, single submitter. Criteria: Invitae Variant Classification Sherloc (09022015). Collection method: clinical testing. Allele origin: germline.
Comment: This sequence change replaces methionine, which is neutral and non-polar, with valine, which is neutral and non-polar, at codon 100 of the RAD50 protein (p.Met100Val). This variant is present in population databases (rs750907713, gnomAD 0.02%). This variant has not been reported in the literature in individuals affected with RAD50-related conditions. ClinVar contains an entry for this variant (Variation ID: 457426). Invitae Evidence Modeling of protein sequence and biophysical properties (such as structural, functional, and spatial information, amino acid conservation, physicochemical variation, residue mobility, and thermodynamic stability) indicates that this missense variant is not expected to disrupt RAD50 protein function with a negative predictive value of 80%. RNA analysis performed to evaluate the impact of this missense change on mRNA splicing indicates it does not significantly alter splicing (internal data). In summary, the available evidence is currently insufficient to determine the role of this variant in disease. Therefore, it has been classified as a Variant of Uncertain Significance.

Ambry Genetics
Classification: Uncertain significance for Hereditary cancer-predisposing syndrome. Last evaluated: 2024-11-15. Review status: criteria provided, single submitter. Criteria: Ambry Variant Classification Scheme 2023. Collection method: clinical testing. Allele origin: germline.
Comment: The p.M100V variant (also known as c.298A>G), located in coding exon 3 of the RAD50 gene, results from an A to G substitution at nucleotide position 298. The methionine at codon 100 is replaced by valine, an amino acid with highly similar properties. This amino acid position is highly conserved in available vertebrate species. In addition, the in silico prediction for this alteration is inconclusive. Since supporting evidence is limited at this time, the clinical significance of this alteration remains unclear.

NM_005732.4(RAD50):c.298A>G (p.Met100Val)

Gene: RAD50 (RAD50 double strand break repair protein; plus strand). Cytogenetic location: 5q31.1.
Variant type: single nucleotide variant.
Coding change: c.298A>G on transcript NM_005732.4 (MANE Select); coding-DNA position 298, A replaced by G.
Protein change: p.Met100Val; replaces methionine 100 with valine.
Molecular consequence: missense variant.
Genome position (GRCh38, 1-based): chr5:132,575,861, A>G. VCF-style: chr5-132575861-A-G. GRCh37 (hg19) VCF-style: chr5-131911553-A-G.
Other names: short protein forms M100V.
Identifiers: ClinVar variation 457426 (VCV000457426.15), dbSNP rs750907713, ClinGen allele CA3404951.